The following is an entry in ClinVar:

NM_004415.4(DSP):c.8577_8588del (p.2858YS[1])

Gene: DSP (desmoplakin; plus strand). Cytogenetic location: 6p24.3.
Variant type: Deletion.
Coding change: c.8577_8588del on transcript NM_004415.4 (MANE Select); coding-DNA positions 8577 to 8588, 12 bases deleted (TTATTCCTACTC).
Protein change: p.2858YS[1].
Molecular consequence: inframe deletion.
Genome position (GRCh38, 1-based): chr6:7,585,839-7,585,850, TTATTCCTACTC deleted; deleting any 12 consecutive bases within chr6:7,585,830-7,585,850 gives the same sequence; the c. name uses the placement nearest the transcript's 3' end. VCF-style (leftmost placement, unchanged base first): chr6-7585829-CTTCCTACTCTTA-C. GRCh37 (hg19) VCF-style: chr6-7586062-CTTCCTACTCTTA-C.
Other names: c.6780_6791del, p.2259YS[1] (NM_001008844.3); c.7248_7259del, p.2415YS[1] (NM_001319034.2).
Identifiers: ClinVar variation 1346584 (VCV001346584.12), dbSNP rs2113705755, ClinGen allele CA2573140826.
Genomic context (GRCh38, chr6:7,585,829, plus strand): 5'-GATCTCGCTCCGGGTCCCGCAGTGGGTCCCGGAGAGGAAGCTTTGACGCCACAGGGAATT[CTTCCTACTCTTA>C]TTCCTACTCATTTAGCAGTAGTTCTATTGGGCACTAGTAGTCAGTTGGGAGTGGTTGCTA-3'

ClinVar aggregate classification (germline): Uncertain significance. Review status: criteria provided, multiple submitters, no conflicts (2 of 4 stars). 4 submissions from 4 submitters: Uncertain significance (4). Last evaluated 2024-03-04.

Conditions:
Cardiovascular phenotype. Identifiers: MedGen CN230736.
Arrhythmogenic cardiomyopathy with wooly hair and keratoderma. Also called: Arrhythmogenic cardiomyopathy with woolly hair and keratoderma; Carvajal syndrome; PALMOPLANTAR KERATODERMA WITH LEFT VENTRICULAR CARDIOMYOPATHY AND WOOLLY HAIR; Dilated cardiomyopathy with woolly hair and keratoderma. Identifiers: Orphanet 65282, MedGen C1854063, MONDO:0011581, OMIM 605676.
Arrhythmogenic right ventricular dysplasia 8 (ARVD8). Also called: Arrhythmogenic Right Ventricular Dysplasia/Cardiomyopathy 8; ARRHYTHMOGENIC RIGHT VENTRICULAR DYSPLASIA, FAMILIAL, 8; ARRHYTHMOGENIC RIGHT VENTRICULAR CARDIOMYOPATHY 8. Identifiers: MedGen C1843896, MONDO:0011831, OMIM 607450.
Cardiomyopathy (CMYO). Also called: Cardiomyopathies. Identifiers: Orphanet 167848, MedGen C0878544, MONDO:0004994, HP:0001638. Inheritance: Various modes of inheritance.

Submissions (4):

Color Diagnostics, LLC DBA Color Health
Classification: Uncertain significance for Cardiomyopathy. Last evaluated: 2024-03-04. Review status: criteria provided, single submitter. Criteria: ACMG Guidelines, 2015. Collection method: clinical testing. Allele origin: germline.
Comment: This variant results in the in-frame deletion of 4 amino acids (p.Tyr2860_Ser2863del) in the DSP protein. To our knowledge, functional studies have not been reported for this variant. This variant has not been reported in individuals affected with DSP-related disorders in the literature. This variant has not been identified in the general population by the Genome Aggregation Database (gnomAD). The available evidence is insufficient to determine the role of this variant in disease conclusively. Therefore, this variant is classified as a Variant of Uncertain Significance.

All of Us Research Program, National Institutes of Health
Classification: Uncertain significance for Arrhythmogenic cardiomyopathy with wooly hair and keratoderma. Last evaluated: 2023-03-04. Review status: criteria provided, single submitter. Criteria: ACMG Guidelines, 2015. Collection method: clinical testing. Allele origin: germline. Inheritance: Autosomal dominant inheritance. Observed: 1 variant allele, 1 heterozygote.
Comment: This study involves interpretation of variants in research participants for the purpose of population health screening. Participant phenotype was not available at the time of variant classification. Additional details can be found in publication PMID: 35346344, PMCID: PMC8962531

Ambry Genetics
Classification: Uncertain significance for Cardiovascular phenotype. Last evaluated: 2021-12-03. Review status: criteria provided, single submitter. Criteria: Ambry Variant Classification Scheme 2023. Collection method: clinical testing. Allele origin: germline.
Comment: The c.8577_8588del12 variant (also known as p.Y2860_S2863del) is located in coding exon 24 of the DSP gene. This variant results from an in-frame TTATTCCTACTC deletion at nucleotide positions 8577 to 8588. This results in the in-frame deletion of tyrosine, serine, tyrosine, and serine residues at codon 2860. This amino acid region is well conserved in available vertebrate species. In addition, this alteration is predicted to be deleterious by in silico analysis (Choi Y et al. PLoS ONE. 2012; 7(10):e46688). Since supporting evidence is limited at this time, the clinical significance of this alteration remains unclear.

Labcorp Genetics (formerly Invitae), Labcorp
Classification: Uncertain significance for Arrhythmogenic cardiomyopathy with wooly hair and keratoderma; Arrhythmogenic right ventricular dysplasia 8. Last evaluated: 2020-12-04. Review status: criteria provided, single submitter. Criteria: Invitae Variant Classification Sherloc (09022015). Collection method: clinical testing. Allele origin: germline.
Comment: Experimental studies and prediction algorithms are not available or were not evaluated, and the functional significance of this variant is currently unknown. This variant has not been reported in the literature in individuals with DSP-related conditions. This variant is not present in population databases (ExAC no frequency). This variant, c.8577_8588del, results in the deletion of 4 amino acid(s) of the DSP protein (p.Tyr2860_Ser2863del), but otherwise preserves the integrity of the reading frame. In summary, the available evidence is currently insufficient to determine the role of this variant in disease. Therefore, it has been classified as a Variant of Uncertain Significance.